The following is an entry in ClinVar:

ClinVar aggregate classification (germline): Uncertain significance (1 of 4 stars; one submission).

Conditions:
Norman-Roberts syndrome (LIS2). Also called: Lissencephaly 2 (Norman-Roberts type). Identifiers: Orphanet 89844, MedGen C0796089, MONDO:0009760, OMIM 257320.
Familial temporal lobe epilepsy 7. Identifiers: Orphanet 101046, MedGen C4225327, MONDO:0014639, OMIM 616436.

Allele frequency attached by ClinVar (database versions not stated): gnomAD exomes below 0.00001; ExAC 0.00001.
gnomAD v4.1: 3 of 1,613,882 alleles (0.00019%); highest among the groups gnomAD compares: Middle Eastern, 0.016%; no homozygotes.

Submission:

Labcorp Genetics (formerly Invitae), Labcorp
Classification: Uncertain significance for Familial temporal lobe epilepsy 7; Norman-Roberts syndrome. Last evaluated: 2024-10-07. Review status: criteria provided, single submitter. Criteria: Invitae Variant Classification Sherloc (09022015). Collection method: clinical testing. Allele origin: germline.
Comment: This sequence change replaces threonine, which is neutral and polar, with alanine, which is neutral and non-polar, at codon 874 of the RELN protein (p.Thr874Ala). This variant is present in population databases (rs779204753, gnomAD no frequency). This variant has not been reported in the literature in individuals affected with RELN-related conditions. Invitae Evidence Modeling of protein sequence and biophysical properties (such as structural, functional, and spatial information, amino acid conservation, physicochemical variation, residue mobility, and thermodynamic stability) indicates that this missense variant is not expected to disrupt RELN protein function with a negative predictive value of 80%. In summary, the available evidence is currently insufficient to determine the role of this variant in disease. Therefore, it has been classified as a Variant of Uncertain Significance.

NM_005045.4(RELN):c.2620A>G (p.Thr874Ala)

Gene: RELN (reelin; minus strand). Cytogenetic location: 7q22.1.
Variant type: single nucleotide variant.
Coding change: c.2620A>G on transcript NM_005045.4 (MANE Select); coding-DNA position 2620, A replaced by G.
Protein change: p.Thr874Ala; replaces threonine 874 with alanine.
Molecular consequence: missense variant.
Genome position (GRCh38, 1-based): chr7:103,630,022, T>C on the plus strand (A>G on the coding strand, the complement: RELN is on the minus strand). VCF-style: chr7-103630022-T-C. GRCh37 (hg19) VCF-style: chr7-103270469-T-C.
Other names: c.2620A>G, p.Thr874Ala (NM_173054.3); short protein forms T874A.
Identifiers: ClinVar variation 2937569 (VCV002937569.3), dbSNP rs779204753, ClinGen allele CA4421970.